The following is an entry in ClinVar:

ClinVar aggregate classification (germline): Uncertain significance (1 of 4 stars; one submission).

Conditions:
Hereditary cancer-predisposing syndrome. Also called: Neoplastic Syndromes, Hereditary; Tumor predisposition; Hereditary Cancer Syndrome; Hereditary neoplastic syndrome. Identifiers: Orphanet 140162, MedGen C0027672, MeSH D009386, MONDO:0015356.

Submission:

Ambry Genetics
Classification: Uncertain significance for Hereditary cancer-predisposing syndrome. Last evaluated: 2024-05-29. Review status: criteria provided, single submitter. Criteria: Ambry Variant Classification Scheme 2023. Collection method: clinical testing. Allele origin: germline.
Comment: The c.7515G>C variant (also known as p.K2505N), located in coding exon 49 of the ATM gene, results from a G to C substitution at nucleotide position 7515. The amino acid change results in lysine to asparagine at codon 2505, an amino acid with similar properties. However, this change occurs in the last base pair of coding exon 49, which makes it likely to have some effect on normal mRNA splicing. This nucleotide position is highly conserved in available vertebrate species. In silico splice site analysis predicts that this alteration will weaken the native splice donor site; however, direct evidence is insufficient at this time (Ambry internal data). This amino acid position is well conserved in available vertebrate species. In addition, this alteration is predicted to be tolerated by in silico analysis. Based on the available evidence, the clinical significance of this variant remains unclear.

NM_000051.4(ATM):c.7515G>C (p.Lys2505Asn)

Genes: ATM (ATM serine/threonine kinase; plus strand), C11orf65 (chromosome 11 open reading frame 65; minus strand). Cytogenetic location: 11q22.3.
Variant type: single nucleotide variant.
Coding change: c.7515G>C on transcript NM_000051.4 (MANE Select); coding-DNA position 7515, G replaced by C.
Protein change: p.Lys2505Asn; replaces lysine 2505 with asparagine.
Molecular consequence: missense variant. On other transcripts: intron variant (2).
Genome position (GRCh38, 1-based): chr11:108,330,421, G>C. VCF-style: chr11-108330421-G-C. GRCh37 (hg19) VCF-style: chr11-108201148-G-C.
Other names: c.7515G>C, p.Lys2505Asn (NM_001351834.2); c.641-21350C>G (NM_001330368.2); c.*38+4799C>G (NM_001351110.2); short protein forms K2505N.
Identifiers: ClinVar variation 3326132 (VCV003326132.1).